The following is an entry in ClinVar:

NM_001042492.3(NF1):c.1463G>A (p.Ser488Asn)

Gene: NF1 (neurofibromin 1; plus strand). Cytogenetic location: 17q11.2.
Variant type: single nucleotide variant.
Coding change: c.1463G>A on transcript NM_001042492.3 (MANE Select); coding-DNA position 1463, G replaced by A.
Protein change: p.Ser488Asn; replaces serine 488 with asparagine.
Molecular consequence: missense variant.
Genome position (GRCh38, 1-based): chr17:31,214,521, G>A. VCF-style: chr17-31214521-G-A. GRCh37 (hg19) VCF-style: chr17-29541539-G-A.
Other names: c.1463G>A, p.Ser488Asn (NM_000267.4, NM_001128147.3); short protein forms S488N.
Identifiers: ClinVar variation 1016467 (VCV001016467.5), dbSNP rs2066786622, ClinGen allele CA399001565.

ClinVar aggregate classification (germline): Uncertain significance (1 of 4 stars; one submission).

Conditions:
Neurofibromatosis, type 1 (NF1). Also called: VON RECKLINGHAUSEN DISEASE; Neurofibromatosis, type I; NEUROFIBROMATOSIS, TYPE I, SOMATIC; Peripheral type neurofibromatosis. Identifiers: Orphanet 636, MedGen C0027831, MONDO:0018975, OMIM 162200. Disease mechanism: loss of function.

Submission:

Labcorp Genetics (formerly Invitae), Labcorp
Classification: Uncertain significance for Neurofibromatosis, type 1. Last evaluated: 2020-06-15. Review status: criteria provided, single submitter. Criteria: Invitae Variant Classification Sherloc (09022015). Collection method: clinical testing. Allele origin: germline.
Comment: This sequence change replaces serine with asparagine at codon 488 of the NF1 protein (p.Ser488Asn). The serine residue is moderately conserved and there is a small physicochemical difference between serine and asparagine. This variant is not present in population databases (ExAC no frequency). This variant has not been reported in the literature in individuals with NF1-related conditions. Algorithms developed to predict the effect of missense changes on protein structure and function are either unavailable or do not agree on the potential impact of this missense change (SIFT: "Tolerated"; PolyPhen-2: "Possibly Damaging"; Align-GVGD: "Class C0"). In summary, the available evidence is currently insufficient to determine the role of this variant in disease. Therefore, it has been classified as a Variant of Uncertain Significance.